The following is an entry in ClinVar:

ClinVar aggregate classification (germline): Uncertain significance (0 of 4 stars; one submission).

Conditions:
SEMA3G-related disorder. Also called: SEMA3G-related condition.

gnomAD v4.1: 8 of 1,610,898 alleles (0.0005%); highest among the groups gnomAD compares: Non-Finnish European, 0.00068%; no homozygotes.

Submission:

PreventionGenetics, part of Exact Sciences
Classification: Uncertain significance for SEMA3G-related condition. Last evaluated: 2024-09-23. Review status: no assertion criteria provided. Collection method: clinical testing. Allele origin: germline.
Comment: The SEMA3G c.2340G>C variant is predicted to result in the amino acid substitution p.Glu780Asp. To our knowledge, this variant has not been reported in the literature or in a large population database, indicating this variant is rare. At this time, the clinical significance of this variant is uncertain due to the absence of conclusive functional and genetic evidence.

NM_020163.3(SEMA3G):c.2340G>C (p.Glu780Asp)

Gene: SEMA3G (semaphorin 3G; minus strand). Cytogenetic location: 3p21.1.
Variant type: single nucleotide variant.
Coding change: c.2340G>C on transcript NM_020163.3 (MANE Select); coding-DNA position 2340, G replaced by C.
Protein change: p.Glu780Asp; replaces glutamic acid 780 with aspartic acid.
Molecular consequence: missense variant.
Genome position (GRCh38, 1-based): chr3:52,435,612, C>G on the plus strand (G>C on the coding strand, the complement: SEMA3G is on the minus strand). VCF-style: chr3-52435612-C-G. GRCh37 (hg19) VCF-style: chr3-52469628-C-G.
Other names: short protein forms E780D.
Identifiers: ClinVar variation 3355325 (VCV003355325.1).